The following is an entry in ClinVar:

ClinVar aggregate classification (germline): Pathogenic (1 of 4 stars; one submission).

Conditions:
Glycine encephalopathy. Also called: Nonketotic hyperglycinemia; Non-ketotic hyperglycinemia. Identifiers: Orphanet 407, MedGen C0751748, MONDO:0011612, HP:0008288.

Submission:

Labcorp Genetics (formerly Invitae), Labcorp
Classification: Pathogenic for Glycine encephalopathy. Last evaluated: 2022-12-28. Review status: criteria provided, single submitter. Criteria: Invitae Variant Classification Sherloc (09022015). Collection method: clinical testing. Allele origin: germline.
Comment: This variant is not present in population databases (gnomAD no frequency). This sequence change replaces serine, which is neutral and polar, with threonine, which is neutral and polar, at codon 527 of the GLDC protein (p.Ser527Thr). This variant also falls at the last nucleotide of exon 12, which is part of the consensus splice site for this exon. This missense change has been observed in individual(s) with glycine encephalopathy (Invitae). In at least one individual the data is consistent with being in trans (on the opposite chromosome) from a pathogenic variant. It has also been observed to segregate with disease in related individuals. ClinVar contains an entry for this variant (Variation ID: 580889). Algorithms developed to predict the effect of missense changes on protein structure and function (SIFT, PolyPhen-2, Align-GVGD) all suggest that this variant is likely to be tolerated. Variants that disrupt the consensus splice site are a relatively common cause of aberrant splicing (PMID: 17576681, 9536098). Algorithms developed to predict the effect of sequence changes on RNA splicing suggest that this variant may disrupt the consensus splice site. For these reasons, this variant has been classified as Pathogenic.

Literature cited by the submitters: PubMed 17576681; PubMed 9536098.

NM_000170.3(GLDC):c.1580G>C (p.Ser527Thr)

Gene: GLDC (glycine decarboxylase; minus strand). Cytogenetic location: 9p24.1.
Variant type: single nucleotide variant.
Coding change: c.1580G>C on transcript NM_000170.3 (MANE Select); coding-DNA position 1580, G replaced by C.
Protein change: p.Ser527Thr; replaces serine 527 with threonine.
Molecular consequence: missense variant.
Genome position (GRCh38, 1-based): chr9:6,589,195, C>G on the plus strand (G>C on the coding strand, the complement: GLDC is on the minus strand). VCF-style: chr9-6589195-C-G. GRCh37 (hg19) VCF-style: chr9-6589195-C-G.
Other names: short protein forms S527T.
Identifiers: ClinVar variation 580889 (VCV000580889.12), dbSNP rs1247180998, ClinGen allele CA372893203.